The following is an entry in ClinVar:

ClinVar aggregate classification (germline): Uncertain significance. Review status: criteria provided, multiple submitters, no conflicts (2 of 4 stars). 5 submissions from 5 submitters: Uncertain significance (5). Last evaluated 2026-01-27.

Conditions:
Fanconi anemia complementation group N. Also called: PALB2-Related Fanconi Anemia. Identifiers: Orphanet 84, MedGen C1835817, MONDO:0012565, OMIM 610832. Disease mechanism: loss of function.
Pancreatic cancer, susceptibility to, 3. Identifiers: Orphanet 1333, MedGen C3150547, MONDO:0013236, OMIM 613348.
Familial cancer of breast. Also called: BREAST CANCER, FAMILIAL; hereditary breast carcinoma; Hereditary breast cancer. Identifiers: Orphanet 227535, MedGen C0346153, MONDO:0016419, OMIM 114480. Disease mechanism: loss of function.
Hereditary cancer-predisposing syndrome. Also called: Neoplastic Syndromes, Hereditary; Hereditary neoplastic syndrome; Tumor predisposition; Hereditary Cancer Syndrome. Identifiers: Orphanet 140162, MedGen C0027672, MeSH D009386, MONDO:0015356.

Allele frequency attached by ClinVar (database versions not stated): gnomAD exomes below 0.00001.
gnomAD v4.1: 3 of 1,607,926 alleles (0.00019%); highest among the groups gnomAD compares: Non-Finnish European, 0.00026%; no homozygotes.

Submissions (5):

Labcorp Genetics (formerly Invitae), Labcorp
Classification: Uncertain significance for Familial cancer of breast. Last evaluated: 2026-01-27. Review status: criteria provided, single submitter. Criteria: Invitae Variant Classification Sherloc (09022015). Collection method: clinical testing. Allele origin: germline.
Comment: This sequence change replaces proline, which is neutral and non-polar, with leucine, which is neutral and non-polar, at codon 926 of the PALB2 protein (p.Pro926Leu). This variant is not present in population databases (gnomAD no frequency). This variant has not been reported in the literature in individuals affected with PALB2-related conditions. ClinVar contains an entry for this variant (Variation ID: 530106). Invitae Evidence Modeling of protein sequence and biophysical properties (such as structural, functional, and spatial information, amino acid conservation, physicochemical variation, residue mobility, and thermodynamic stability) has been performed for this missense variant. However, the output from this modeling did not meet the statistical confidence thresholds required to predict the impact of this variant on PALB2 protein function. In summary, the available evidence is currently insufficient to determine the role of this variant in disease. Therefore, it has been classified as a Variant of Uncertain Significance.

Ambry Genetics
Classification: Uncertain significance for Hereditary cancer-predisposing syndrome. Last evaluated: 2024-06-10. Review status: criteria provided, single submitter. Criteria: Ambry Variant Classification Scheme 2023. Collection method: clinical testing. Allele origin: germline.
Comment: The p.P926L variant (also known as c.2777C>T), located in coding exon 8 of the PALB2 gene, results from a C to T substitution at nucleotide position 2777. The proline at codon 926 is replaced by leucine, an amino acid with similar properties. This amino acid position is highly conserved in available vertebrate species. In addition, this alteration is predicted to be tolerated by in silico analysis. Since supporting evidence is limited at this time, the clinical significance of this alteration remains unclear.

Baylor Genetics
Classification: Uncertain significance for Familial cancer of breast. Last evaluated: 2023-06-07. Review status: criteria provided, single submitter. Criteria: ACMG Guidelines, 2015. Collection method: clinical testing. Allele origin: unknown.

Color Diagnostics, LLC DBA Color Health
Classification: Uncertain significance for Hereditary cancer-predisposing syndrome. Last evaluated: 2022-06-07. Review status: criteria provided, single submitter. Criteria: ACMG Guidelines, 2015. Collection method: clinical testing. Allele origin: germline.
Comment: This missense variant replaces proline with leucine at codon 926 of the PALB2 protein. Computational prediction suggests that this variant may not impact protein structure and function (internally defined REVEL score threshold <= 0.5, PMID: 27666373). To our knowledge, functional studies have not been reported for this variant. This variant has not been reported in individuals affected with hereditary cancer in the literature. This variant has not been identified in the general population by the Genome Aggregation Database (gnomAD). The available evidence is insufficient to determine the role of this variant in disease conclusively. Therefore, this variant is classified as a Variant of Uncertain Significance.

Fulgent Genetics
Classification: Uncertain significance for Familial cancer of breast; Fanconi anemia complementation group N; Pancreatic cancer, susceptibility to, 3. Last evaluated: 2021-11-17. Review status: criteria provided, single submitter. Criteria: ACMG Guidelines, 2015. Collection method: clinical testing. Allele origin: unknown.

NM_024675.4(PALB2):c.2777C>T (p.Pro926Leu)

Gene: PALB2 (partner and localizer of BRCA2; minus strand). Cytogenetic location: 16p12.2.
Variant type: single nucleotide variant.
Coding change: c.2777C>T on transcript NM_024675.4 (MANE Select); coding-DNA position 2777, C replaced by T.
Protein change: p.Pro926Leu; replaces proline 926 with leucine.
Molecular consequence: missense variant.
Genome position (GRCh38, 1-based): chr16:23,624,066, G>A on the plus strand (C>T on the coding strand, the complement: PALB2 is on the minus strand). VCF-style: chr16-23624066-G-A. GRCh37 (hg19) VCF-style: chr16-23635387-G-A.
Other names: short protein forms P926L.
Identifiers: ClinVar variation 530106 (VCV000530106.19), dbSNP rs1555459732, ClinGen allele CA395145119.